The following is an entry in ClinVar:

NM_000550.3(TYRP1):c.85C>T (p.Gln29Ter)

Gene: TYRP1 (tyrosinase related protein 1; plus strand). Cytogenetic location: 9p23.
Variant type: single nucleotide variant.
Coding change: c.85C>T on transcript NM_000550.3 (MANE Select); coding-DNA position 85, C replaced by T.
Protein change: p.Gln29Ter; replaces glutamine 29 with a stop codon.
Molecular consequence: nonsense.
Genome position (GRCh38, 1-based): chr9:12,694,081, C>T. VCF-style: chr9-12694081-C-T. GRCh37 (hg19) VCF-style: chr9-12694081-C-T.
Other names: short protein forms Q29*.
Identifiers: ClinVar variation 4809373 (VCV004809373.1).

ClinVar aggregate classification (germline): Pathogenic (1 of 4 stars; one submission).

Submission:

Labcorp Genetics (formerly Invitae), Labcorp
Classification: Pathogenic. Last evaluated: 2025-09-09. Review status: criteria provided, single submitter. Criteria: Invitae Variant Classification Sherloc (09022015). Collection method: clinical testing. Allele origin: germline.
Comment: This sequence change creates a premature translational stop signal (p.Gln29*) in the TYRP1 gene. It is expected to result in an absent or disrupted protein product. Loss-of-function variants in TYRP1 are known to be pathogenic (PMID: 8651291, 9345097). This variant is not present in population databases (gnomAD no frequency). This variant has not been reported in the literature in individuals affected with TYRP1-related conditions. For these reasons, this variant has been classified as Pathogenic.

Literature cited by the submitters: PubMed 8651291; PubMed 9345097.